The following is an entry in ClinVar:

NM_000350.3(ABCA4):c.3732del (p.Ser1245fs)

Genes: ABCA4 (ATP binding cassette subfamily A member 4; minus strand), LOC126805794 (BRD4-independent group 4 enhancer GRCh37_chr1:94502188-94503387; plus strand). Cytogenetic location: 1p22.1.
Variant type: Deletion.
Coding change: c.3732del on transcript NM_000350.3 (MANE Select); coding-DNA position 3732, one base deleted (C; older notation c.3732delC).
Protein change: p.Ser1245fs; shifts the reading frame from serine 1245.
Molecular consequence: frameshift variant.
Genome position (GRCh38, 1-based): chr1:94,037,226, G deleted on the plus strand (C on the coding strand, the reverse complement: ABCA4 is on the minus strand); the first of 2 consecutive G bases (chr1:94,037,226-94,037,227); deleting either gives the same sequence. VCF-style (leftmost placement, unchanged base first): chr1-94037225-TG-T. GRCh37 (hg19) VCF-style: chr1-94502781-TG-T.
Other names: c.3509delC, p.Ser1171Alafs (NM_001425324.1); short protein forms S1245fs.
Identifiers: ClinVar variation 2628018 (VCV002628018.2), dbSNP rs2523751766, ClinGen allele CA2695198055.

ClinVar aggregate classification (germline): Pathogenic (1 of 4 stars; one submission).

Conditions:
Severe early-childhood-onset retinal dystrophy (STGD1). Also called: MACULAR DYSTROPHY WITH FLECKS, TYPE 1; STGD; Stargardt macular dystrophy; Juvenile onset macular degeneration; Stargardt disease 1. Identifiers: Orphanet 364055, Orphanet 827, MedGen C1855465, MeSH D000080362, MONDO:0009549, OMIM 248200.

Submission:

DBGen Ocular Genomics
Classification: Pathogenic for Severe early-childhood-onset retinal dystrophy. Last evaluated: 2022-01-01. Review status: criteria provided, single submitter. Criteria: ACMG Guidelines, 2015. Collection method: clinical testing. Allele origin: unknown. Inheritance: Autosomal recessive inheritance. Affected: yes.
Comment: Class 5 ACMG Guidelines, 2015 (PMID:25741868)